The following is an entry in ClinVar:

NM_006939.4(SOS2):c.2351G>A (p.Arg784His)

Gene: SOS2 (SOS Ras/Rho guanine nucleotide exchange factor 2; minus strand). Cytogenetic location: 14q21.3.
Variant type: single nucleotide variant.
Coding change: c.2351G>A on transcript NM_006939.4 (MANE Select); coding-DNA position 2351, G replaced by A.
Protein change: p.Arg784His; replaces arginine 784 with histidine.
Molecular consequence: missense variant.
Genome position (GRCh38, 1-based): chr14:50,150,041, C>T on the plus strand (G>A on the coding strand, the complement: SOS2 is on the minus strand). VCF-style: chr14-50150041-C-T. GRCh37 (hg19) VCF-style: chr14-50616759-C-T.
Other names: c.2252G>A, p.Arg751His (NM_001411020.1); short protein forms R784H, R751H.
Identifiers: ClinVar variation 1790018 (VCV001790018.7), dbSNP rs775192786, ClinGen allele CA7177061.

ClinVar aggregate classification (germline): Conflicting classifications of pathogenicity. Review status: criteria provided, conflicting classifications (1 of 4 stars). 3 submissions from 3 submitters: Uncertain significance (2); Likely benign (1). Last evaluated 2025-10-27.

Conditions:
Cardiovascular phenotype. Identifiers: MedGen CN230736.
Noonan syndrome 9 (NS9). Identifiers: Orphanet 648, MedGen C4225282, MONDO:0014691, OMIM 616559.

Allele frequency attached by ClinVar (database versions not stated): gnomAD 0.00001; TOPMed 0.00001; ExAC 0.00002; gnomAD exomes 0.00003.
gnomAD v4.1: 44 of 1,613,024 alleles (0.0027%); highest among the groups gnomAD compares: East Asian, 0.029%; no homozygotes.

Submissions (3):

Labcorp Genetics (formerly Invitae), Labcorp
Classification: Uncertain significance for Noonan syndrome 9. Last evaluated: 2025-10-27. Review status: criteria provided, single submitter. Criteria: Invitae Variant Classification Sherloc (09022015). Collection method: clinical testing. Allele origin: germline.
Comment: This sequence change replaces arginine, which is basic and polar, with histidine, which is basic and polar, at codon 784 of the SOS2 protein (p.Arg784His). This variant is present in population databases (rs775192786, gnomAD 0.003%). This variant has not been reported in the literature in individuals affected with SOS2-related conditions. ClinVar contains an entry for this variant (Variation ID: 1790018). Invitae Evidence Modeling of protein sequence and biophysical properties (such as structural, functional, and spatial information, amino acid conservation, physicochemical variation, residue mobility, and thermodynamic stability) has been performed for this missense variant. However, the output from this modeling did not meet the statistical confidence thresholds required to predict the impact of this variant on SOS2 protein function. In summary, the available evidence is currently insufficient to determine the role of this variant in disease. Therefore, it has been classified as a Variant of Uncertain Significance.

Ambry Genetics
Classification: Uncertain significance for Cardiovascular phenotype. Last evaluated: 2024-08-23. Review status: criteria provided, single submitter. Criteria: Ambry Variant Classification Scheme 2023. Collection method: clinical testing. Allele origin: germline.
Comment: The p.R784H variant (also known as c.2351G>A), located in coding exon 14 of the SOS2 gene, results from a G to A substitution at nucleotide position 2351. The arginine at codon 784 is replaced by histidine, an amino acid with highly similar properties. This amino acid position is conserved. In addition, this alteration is predicted to be deleterious by in silico analysis. Since supporting evidence is limited at this time, the clinical significance of this alteration remains unclear.

Blueprint Genetics
Classification: Likely benign. Last evaluated: 2024-08-12. Review status: criteria provided, single submitter. Criteria: ACMG Guidelines, 2015. Collection method: clinical testing. Allele origin: germline.